The following is an entry in ClinVar:

NM_001184.4(ATR):c.479A>G (p.His160Arg)

Gene: ATR (ATR checkpoint kinase; minus strand). Cytogenetic location: 3q23.
Variant type: single nucleotide variant.
Coding change: c.479A>G on transcript NM_001184.4 (MANE Select); coding-DNA position 479, A replaced by G.
Protein change: p.His160Arg; replaces histidine 160 with arginine.
Molecular consequence: missense variant.
Genome position (GRCh38, 1-based): chr3:142,562,923, T>C on the plus strand (A>G on the coding strand, the complement: ATR is on the minus strand). VCF-style: chr3-142562923-T-C. GRCh37 (hg19) VCF-style: chr3-142281765-T-C.
Other names: c.479A>G, p.His160Arg (NM_001354579.2); short protein forms H160R.
Identifiers: ClinVar variation 836796 (VCV000836796.7), dbSNP rs371240700, ClinGen allele CA2650757.

ClinVar aggregate classification (germline): Uncertain significance (1 of 4 stars; one submission).

Allele frequency attached by ClinVar (database versions not stated): gnomAD exomes 0.00005 and 0.00023; ExAC 0.00007; ESP Exome Variant Server 0.00008; gnomAD 0.00008 and 0.00009; TOPMed 0.00008.
gnomAD v4.1: 340 of 1,613,438 alleles (0.021%); highest among the groups gnomAD compares: Non-Finnish European, 0.028%; no homozygotes.

Submission:

Labcorp Genetics (formerly Invitae), Labcorp
Classification: Uncertain significance. Last evaluated: 2026-01-19. Review status: criteria provided, single submitter. Criteria: Invitae Variant Classification Sherloc (09022015). Collection method: clinical testing. Allele origin: germline.
Comment: This sequence change replaces histidine, which is basic and polar, with arginine, which is basic and polar, at codon 160 of the ATR protein (p.His160Arg). This variant is present in population databases (rs371240700, gnomAD 0.009%). This variant has not been reported in the literature in individuals affected with ATR-related conditions. ClinVar contains an entry for this variant (Variation ID: 836796). An algorithm developed to predict the effect of missense changes on protein structure and function (PolyPhen-2) suggests that this variant is likely to be disruptive. In summary, the available evidence is currently insufficient to determine the role of this variant in disease. Therefore, it has been classified as a Variant of Uncertain Significance.